The following is an entry in ClinVar:

ClinVar aggregate classification (germline): Uncertain significance (1 of 4 stars; one submission).

Conditions:
Inborn genetic diseases. Identifiers: MedGen C0950123, MeSH D030342.

Submission:

Ambry Genetics
Classification: Uncertain significance for Inborn genetic diseases. Last evaluated: 2026-04-26. Review status: criteria provided, single submitter. Criteria: Ambry Variant Classification Scheme 2023. Collection method: clinical testing. Allele origin: germline.
Comment: The p.I593V variant (also known as c.1777A>G), located in coding exon 15 of the BUB1B gene, results from an A to G substitution at nucleotide position 1777. The isoleucine at codon 593 is replaced by valine, an amino acid with highly similar properties. This amino acid position is conserved. In addition, this alteration is predicted to be tolerated by in silico analysis. Based on the available evidence, the clinical significance of this variant remains unclear.

NM_001211.6(BUB1B):c.1777A>G (p.Ile593Val)

Gene: BUB1B (BUB1 mitotic checkpoint serine/threonine kinase B; plus strand). Cytogenetic location: 15q15.1.
Variant type: single nucleotide variant.
Coding change: c.1777A>G on transcript NM_001211.6 (MANE Select); coding-DNA position 1777, A replaced by G.
Protein change: p.Ile593Val; replaces isoleucine 593 with valine.
Molecular consequence: missense variant.
Genome position (GRCh38, 1-based): chr15:40,206,226, A>G. VCF-style: chr15-40206226-A-G. GRCh37 (hg19) VCF-style: chr15-40498427-A-G.
Other names: short protein forms I593V.
Identifiers: ClinVar variation 4868001 (VCV004868001.1).